The following is an entry in ClinVar:

ClinVar aggregate classification (germline): Uncertain significance (1 of 4 stars; one submission).

Conditions:
Joubert syndrome. Also called: Familial aplasia of the vermis; CEREBELLOPARENCHYMAL DISORDER IV; JOUBERT-BOLTSHAUSER SYNDROME. Identifiers: Orphanet 475, MedGen C5979921, MONDO:0018772.
Meckel-Gruber syndrome. Also called: Dysencephalia splachnocystica; DYSENCEPHALIA SPLANCHNOCYSTICA; GRUBER SYNDROME. Identifiers: Orphanet 564, MedGen C0265215, MONDO:0018921.
Nephronophthisis. Also called: Juvenile Nephronophthisis. Identifiers: Orphanet 655, MedGen C0687120, MONDO:0019005, HP:0000090.

Submission:

Labcorp Genetics (formerly Invitae), Labcorp
Classification: Uncertain significance for Joubert syndrome; Meckel-Gruber syndrome; Nephronophthisis. Last evaluated: 2020-10-02. Review status: criteria provided, single submitter. Criteria: Invitae Variant Classification Sherloc (09022015). Collection method: clinical testing. Allele origin: germline.
Comment: This sequence change replaces asparagine with serine at codon 1144 of the CEP290 protein (p.Asn1144Ser). The asparagine residue is weakly conserved and there is a small physicochemical difference between asparagine and serine. This variant is not present in population databases (ExAC no frequency). This variant has not been reported in the literature in individuals with CEP290-related conditions. Algorithms developed to predict the effect of missense changes on protein structure and function output the following: SIFT: "Tolerated"; PolyPhen-2: "Benign"; Align-GVGD: "Class C0". The serine amino acid residue is found in multiple mammalian species, suggesting that this missense change does not adversely affect protein function. These predictions have not been confirmed by published functional studies and their clinical significance is uncertain. In summary, the available evidence is currently insufficient to determine the role of this variant in disease. Therefore, it has been classified as a Variant of Uncertain Significance.

NM_025114.4(CEP290):c.3431A>G (p.Asn1144Ser)

Gene: CEP290 (centrosomal protein 290; minus strand). Cytogenetic location: 12q21.32.
Variant type: single nucleotide variant.
Coding change: c.3431A>G on transcript NM_025114.4 (MANE Select); coding-DNA position 3431, A replaced by G.
Protein change: p.Asn1144Ser; replaces asparagine 1144 with serine.
Molecular consequence: missense variant.
Genome position (GRCh38, 1-based): chr12:88,092,711, T>C on the plus strand (A>G on the coding strand, the complement: CEP290 is on the minus strand). VCF-style: chr12-88092711-T-C. GRCh37 (hg19) VCF-style: chr12-88486488-T-C.
Other names: short protein forms N1144S.
Identifiers: ClinVar variation 1061591 (VCV001061591.9), dbSNP rs2137341520, ClinGen allele CA386003933.